The following is an entry in ClinVar:

NM_001034850.3(RETREG1):c.19C>T (p.Pro7Ser)

Genes: RETREG1 (reticulophagy regulator 1; minus strand), RETREG1-AS1 (RETREG1 antisense RNA 1; plus strand), LOC129993734 (ATAC-STARR-seq lymphoblastoid silent region 15947; plus strand). Cytogenetic location: 5p15.1.
Variant type: single nucleotide variant.
Coding change: c.19C>T on transcript NM_001034850.3 (MANE Select); coding-DNA position 19, C replaced by T.
Protein change: p.Pro7Ser; replaces proline 7 with serine.
Molecular consequence: missense variant.
Genome position (GRCh38, 1-based): chr5:16,616,953, G>A on the plus strand (C>T on the coding strand, the complement: RETREG1 is on the minus strand). VCF-style: chr5-16616953-G-A. GRCh37 (hg19) VCF-style: chr5-16617062-G-A.
Other names: short protein forms P7S.
Identifiers: ClinVar variation 642138 (VCV000642138.10), dbSNP rs532140281, ClinGen allele CA359293195.
Genomic context (GRCh38, chr5:16,616,953, plus strand): 5'-GCGACGGCGGCGCCTGCTCCTCGGCGGCAGGAGCCGGGCATCCCTCCTCGGCGTGCTCCG[G>A]AGGCGCCGGGCTCGCCATCTTCAGCTGTGCTTCCAGACAGGGACGGGGCCGGGCGCGCGC-3'
Protein context (NP_001030022.1, residues 1-17): MASPAP[Pro7Ser]EHAEEGCPAP

ClinVar aggregate classification (germline): Uncertain significance. Review status: criteria provided, multiple submitters, no conflicts (2 of 4 stars). 2 submissions from 2 submitters: Uncertain significance (2). Last evaluated 2024-02-13.

Conditions:
Inborn genetic diseases. Identifiers: MedGen C0950123, MeSH D030342.

Submissions (2):

Ambry Genetics
Classification: Uncertain significance for Inborn genetic diseases. Last evaluated: 2024-02-13. Review status: criteria provided, single submitter. Criteria: Ambry Variant Classification Scheme 2023. Collection method: clinical testing. Allele origin: germline.

Labcorp Genetics (formerly Invitae), Labcorp
Classification: Uncertain significance. Last evaluated: 2021-09-01. Review status: criteria provided, single submitter. Criteria: Invitae Variant Classification Sherloc (09022015). Collection method: clinical testing. Allele origin: germline.
Comment: This sequence change replaces proline with serine at codon 7 of the RETREG1 protein (p.Pro7Ser). The proline residue is weakly conserved and there is a moderate physicochemical difference between proline and serine. The frequency data for this variant in the population databases is considered unreliable, as metrics indicate insufficient coverage at this position in the ExAC database. This variant has not been reported in the literature in individuals affected with RETREG1-related conditions. Algorithms developed to predict the effect of missense changes on protein structure and function are either unavailable or do not agree on the potential impact of this missense change (SIFT: "Tolerated"; PolyPhen-2: "Not Available"; Align-GVGD: "Class C0"). In summary, the available evidence is currently insufficient to determine the role of this variant in disease. Therefore, it has been classified as a Variant of Uncertain Significance.